The following is an entry in ClinVar:

ClinVar aggregate classification (germline): Likely benign (1 of 4 stars; one submission).

Conditions:
Hypertrophic cardiomyopathy. Also called: HYPERTROPHIC MYOCARDIOPATHY. Identifiers: Orphanet 217569, MedGen C0007194, MeSH D002312, MONDO:0005045, HP:0001639.

Submission:

All of Us Research Program, National Institutes of Health
Classification: Likely benign for Hypertrophic cardiomyopathy. Last evaluated: 2024-06-17. Review status: criteria provided, single submitter. Criteria: ACMG Guidelines, 2015. Collection method: clinical testing. Allele origin: germline. Inheritance: Autosomal dominant inheritance. Observed: 1 variant allele, 1 heterozygote.
Comment: This study involves interpretation of variants in research participants for the purpose of population health screening. Participant phenotype was not available at the time of variant classification. Additional details can be found in publication PMID: 35346344, PMCID: PMC8962531

NM_005159.5(ACTC1):c.321C>A (p.Leu107=)

Genes: ACTC1 (actin alpha cardiac muscle 1; minus strand), GJD2-DT (GJD2 divergent transcript; plus strand). Cytogenetic location: 15q14.
Variant type: single nucleotide variant.
Coding change: c.321C>A on transcript NM_005159.5 (MANE Select); coding-DNA position 321, C replaced by A.
Protein change: p.Leu107=; no amino-acid change (leucine 107 retained).
Molecular consequence: synonymous variant. On other transcripts: 5 prime UTR variant (1).
Genome position (GRCh38, 1-based): chr15:34,793,378, G>T on the plus strand (C>A on the coding strand, the complement: ACTC1 is on the minus strand). VCF-style: chr15-34793378-G-T. GRCh37 (hg19) VCF-style: chr15-35085579-G-T.
Other names: c.321C>A, p.Leu107= (NM_001406482.1, NM_001406483.1); c.186C>A, p.Leu62= (NM_001406484.1); c.-68C>A (NM_001406485.1).
Identifiers: ClinVar variation 3387042 (VCV003387042.1).